The following is an entry in ClinVar:

NM_000282.4(PCCA):c.145del (p.Arg49fs)

Gene: PCCA (propionyl-CoA carboxylase subunit alpha; plus strand). Cytogenetic location: 13q32.3.
Variant type: Deletion.
Coding change: c.145del on transcript NM_000282.4 (MANE Select); coding-DNA position 145, one base deleted (C; older notation c.145delC).
Protein change: p.Arg49fs; shifts the reading frame from arginine 49.
Molecular consequence: frameshift variant. On other transcripts: 5 prime UTR variant (3), non-coding transcript variant (4), intron variant (3).
Genome position (GRCh38, 1-based): chr13:100,102,922, C deleted; the last of 3 consecutive C bases (chr13:100,102,920-100,102,922); deleting any one gives the same sequence. VCF-style (leftmost placement, unchanged base first): chr13-100102919-TC-T. GRCh37 (hg19) VCF-style: chr13-100755173-TC-T.
Other names: c.145del, p.Arg49fs (NM_001178004.2, NM_001352605.2, NM_001352606.2 and 1 more transcripts); c.-722del (NM_001352610.2, NM_001352611.2, NM_001352612.2); c.106-8919del (NM_001127692.3, NM_001352607.2, NM_001352608.2); short protein forms R49fs.
Identifiers: ClinVar variation 843070 (VCV000843070.7), dbSNP rs2047402577, ClinGen allele CA916083361.

ClinVar aggregate classification (germline): Pathogenic (1 of 4 stars; one submission).

Conditions:
Propionic acidemia (PROP). Also called: GLYCINEMIA, KETOTIC; HYPERGLYCINEMIA WITH KETOACIDOSIS AND LEUKOPENIA; KETOTIC HYPERGLYCINEMIA. Identifiers: Orphanet 35, MedGen C0268579, MONDO:0011628, OMIM 606054, HP:0003571.

Submission:

Labcorp Genetics (formerly Invitae), Labcorp
Classification: Pathogenic for Propionic acidemia. Last evaluated: 2019-03-04. Review status: criteria provided, single submitter. Criteria: Invitae Variant Classification Sherloc (09022015). Collection method: clinical testing. Allele origin: germline.
Comment: For these reasons, this variant has been classified as Pathogenic. Loss-of-function variants in PCCA are known to be pathogenic (PMID: 15464417). This variant has not been reported in the literature in individuals with PCCA-related conditions. This variant is not present in population databases (ExAC no frequency). This sequence change creates a premature translational stop signal (p.Arg49Valfs*55) in the PCCA gene. It is expected to result in an absent or disrupted protein product.

Literature cited by the submitters: PubMed 15464417.